The following is an entry in ClinVar:

ClinVar aggregate classification (germline): Conflicting classifications of pathogenicity. Review status: criteria provided, conflicting classifications (1 of 4 stars). 4 submissions from 4 submitters: Uncertain significance (3); Likely benign (1). Last evaluated 2024-02-27.

Conditions:
Spastic paraplegia. Identifiers: MedGen C0037772, HP:0001258.
Charlevoix-Saguenay spastic ataxia (SACS). Also called: AUTOSOMAL RECESSIVE SPASTIC ATAXIA OF CHARLEVOIX-SAGUENAY; Spastic ataxia of Charlevoix-Saguenay; SPASTIC ATAXIA 6, AUTOSOMAL RECESSIVE. Identifiers: Orphanet 98, MedGen C1849140, MONDO:0010041, OMIM 270550.
Inborn genetic diseases. Identifiers: MedGen C0950123, MeSH D030342.

Allele frequency attached by ClinVar (database versions not stated): gnomAD 0.00001; gnomAD exomes 0.00002 and 0.00003; ExAC 0.00003.
gnomAD v4.1: 26 of 1,614,074 alleles (0.0016%); highest among the groups gnomAD compares: South Asian, 0.023%; no homozygotes.

Submissions (4):

Labcorp Genetics (formerly Invitae), Labcorp
Classification: Likely benign for Spastic paraplegia. Last evaluated: 2024-02-27. Review status: criteria provided, single submitter. Criteria: Invitae Variant Classification Sherloc (09022015). Collection method: clinical testing. Allele origin: germline.

Ambry Genetics
Classification: Uncertain significance for Inborn genetic diseases. Last evaluated: 2023-03-01. Review status: criteria provided, single submitter. Criteria: Ambry Variant Classification Scheme 2023. Collection method: clinical testing. Allele origin: germline.

Women's Health and Genetics/Laboratory Corporation of America, LabCorp
Classification: Uncertain significance. Last evaluated: 2022-02-17. Review status: criteria provided, single submitter. Criteria: LabCorp Variant Classification Summary - May 2015. Collection method: clinical testing. Allele origin: germline.

Neuberg Centre For Genomic Medicine, NCGM
Classification: Uncertain significance for Charlevoix-Saguenay spastic ataxia. Review status: criteria provided, single submitter. Criteria: ACMG Guidelines, 2015. Collection method: clinical testing. Allele origin: germline. Inheritance: Autosomal recessive inheritance. Affected: yes.
Comment: The missense variant c.13621T>A (p.Leu4541Met) in SACS gene has not been reported previously as a pathogenic variant nor as a benign variant, to our knowledge. The p.Leu4541Met variant has allele frequency 0.002% in gnomAD exomes and novel (not in any individuals) in 1000 Genomes. This variant has reported to the ClinVar database as Uncertain Significance. The amino acid Leu at position 4541 is changed to a Met changing protein sequence and it might alter its composition and physico-chemical properties. The amino acid change p.Leu4541Met in SACS is predicted as conserved by PhyloP across 100 vertebrates. For these reasons, this variant has been classified as Uncertain Significance (VUS).

NM_014363.6(SACS):c.13621T>A (p.Leu4541Met)

Gene: SACS (sacsin molecular chaperone; minus strand). Cytogenetic location: 13q12.12.
Variant type: single nucleotide variant.
Coding change: c.13621T>A on transcript NM_014363.6 (MANE Select); coding-DNA position 13621, T replaced by A.
Protein change: p.Leu4541Met; replaces leucine 4541 with methionine.
Molecular consequence: missense variant.
Genome position (GRCh38, 1-based): chr13:23,330,255, A>T on the plus strand (T>A on the coding strand, the complement: SACS is on the minus strand). VCF-style: chr13-23330255-A-T. GRCh37 (hg19) VCF-style: chr13-23904394-A-T.
Other names: c.13621T>A (NM_014363.4); c.13180T>A, p.Leu4394Met (NM_001278055.2); short protein forms L4394M, L4541M.
Identifiers: ClinVar variation 1343647 (VCV001343647.7), dbSNP rs769260277, ClinGen allele CA6909936.